The following is an entry in ClinVar:

ClinVar aggregate classification (germline): Likely benign. Review status: criteria provided, multiple submitters, no conflicts (2 of 4 stars). 6 submissions from 6 submitters: Likely benign (6). Last evaluated 2025-10-29.

Conditions:
Cardiovascular phenotype. Identifiers: MedGen CN230736.
Autosomal recessive limb-girdle muscular dystrophy type 2J (LGMDR10). Also called: Limb-girdle muscular dystrophy, type 2J; MUSCULAR DYSTROPHY, LIMB-GIRDLE, AUTOSOMAL RECESSIVE 10. Identifiers: Orphanet 140922, MedGen C1837342, MONDO:0012127, OMIM 608807.
Dilated cardiomyopathy 1G (CMD1G). Identifiers: Orphanet 154, MedGen C1858763, MONDO:0011400, OMIM 604145.

Allele frequency attached by ClinVar (database versions not stated): gnomAD exomes 0.00001.

Submissions (6):

Labcorp Genetics (formerly Invitae), Labcorp
Classification: Likely benign for Dilated cardiomyopathy 1G; Autosomal recessive limb-girdle muscular dystrophy type 2J. Last evaluated: 2025-10-29. Review status: criteria provided, single submitter. Criteria: Invitae Variant Classification Sherloc (09022015). Collection method: clinical testing. Allele origin: germline.

Molecular Diagnostic Laboratory for Inherited Cardiovascular Disease, Montreal Heart Institute
Classification: Likely benign. Last evaluated: 2025-04-09. Review status: criteria provided, single submitter. Criteria: ACMG Guidelines, 2015. Collection method: clinical testing. Allele origin: germline. Affected: no.

Blueprint Genetics
Classification: Likely benign. Last evaluated: 2022-10-05. Review status: criteria provided, single submitter. Criteria: ACMG Guidelines, 2015. Collection method: clinical testing. Allele origin: germline.

Ambry Genetics
Classification: Likely benign for Cardiovascular phenotype. Last evaluated: 2019-11-05. Review status: criteria provided, single submitter. Criteria: Ambry Variant Classification Scheme 2023. Collection method: clinical testing. Allele origin: germline.

GeneDx
Classification: Likely benign. Last evaluated: 2017-07-17. Review status: criteria provided, single submitter. Criteria: GeneDx Variant Classification (06012015). Collection method: clinical testing. Allele origin: germline. Affected: yes.
Comment: This variant is considered likely benign or benign based on one or more of the following criteria: it is a conservative change, it occurs at a poorly conserved position in the protein, it is predicted to be benign by multiple in silico algorithms, and/or has population frequency not consistent with disease.

Laboratory for Molecular Medicine, Mass General Brigham Personalized Medicine
Classification: Likely benign. Last evaluated: 2012-03-20. Review status: criteria provided, single submitter. Criteria: LMM Criteria. Collection method: clinical testing. Allele origin: germline. Observed: 1 variant allele.
Comment: Tyr19764Tyr in exon 266 of TTN: This variant is not expected to have clinical si gnificance because it does not alter an amino acid residue and is not located wi thin the splice consensus sequence. Tyr19764Tyr in exon 266 of TTN (allele f requency = n/a)

NM_001267550.2(TTN):c.66996T>C (p.Tyr22332=)

Genes: TTN (titin; minus strand), TTN-AS1 (TTN antisense RNA 1; plus strand). Cytogenetic location: 2q31.2.
Variant type: single nucleotide variant.
Coding change: c.66996T>C on transcript NM_001267550.2 (MANE Select); coding-DNA position 66996, T replaced by C.
Protein change: p.Tyr22332=; no amino-acid change (tyrosine 22332 retained).
Molecular consequence: synonymous variant.
Genome position (GRCh38, 1-based): chr2:178,580,383, A>G on the plus strand (T>C on the coding strand, the complement: TTN is on the minus strand). VCF-style: chr2-178580383-A-G. GRCh37 (hg19) VCF-style: chr2-179445110-A-G.
Other names: c.39801T>C, p.Tyr13267= (NM_003319.4); c.40176T>C, p.Tyr13392= (NM_133432.3); c.40377T>C, p.Tyr13459= (NM_133437.4); c.62073T>C, p.Tyr20691= (NM_001256850.1); c.59292T>C, p.Tyr19764= (NM_133378.4).
Identifiers: ClinVar variation 47246 (VCV000047246.14), dbSNP rs397517668, ClinGen allele CA140446.